The following is an entry in ClinVar:

NM_002485.5(NBN):c.1915-7_1915-5delinsGTG

Gene: NBN (nibrin; minus strand). Cytogenetic location: 8q21.3.
Variant type: Indel.
Coding change: c.1915-7_1915-5delinsGTG on transcript NM_002485.5 (MANE Select); 7 bases into the intron before coding-DNA position 1915 through 5 bases into the intron before coding-DNA position 1915, ATT replaced by GTG.
Molecular consequence: intron variant.
Genome position (GRCh38, 1-based): chr8:89,946,300-89,946,302, AAT replaced by CAC on the plus strand (ATT replaced by GTG on the coding strand, the reverse complement: NBN is on the minus strand). VCF-style: chr8-89946300-AAT-CAC. GRCh37 (hg19) VCF-style: chr8-90958528-AAT-CAC.
Other names: c.1669-7_1669-5delinsGTG (NM_001024688.3).
Identifiers: ClinVar variation 1782567 (VCV001782567.3), dbSNP rs2488203460, ClinGen allele CA2580079040.

ClinVar aggregate classification (germline): Uncertain significance (1 of 4 stars; one submission).

Conditions:
Hereditary cancer-predisposing syndrome. Also called: Tumor predisposition; Hereditary Cancer Syndrome; Hereditary neoplastic syndrome; Neoplastic Syndromes, Hereditary. Identifiers: Orphanet 140162, MedGen C0027672, MeSH D009386, MONDO:0015356.

Submission:

Ambry Genetics
Classification: Uncertain significance for Hereditary cancer-predisposing syndrome. Last evaluated: 2026-02-10. Review status: criteria provided, single submitter. Criteria: Ambry Variant Classification Scheme 2023. Collection method: clinical testing. Allele origin: germline.
Comment: The c.1915-7_1915-5delATTinsGTG intronic variant, located in intron 12 of the NBN gene, results from an in-frame deletion of 3 nucleotides (ATT) and the insertion of 3 nucleotides (GTG) at nucleotide position c.1915-7 to c.1915-5. This nucleotide region is not well conserved in available vertebrate species. In silico splice site analysis predicts that this alteration will not have any significant effect on splicing; however, direct evidence is unavailable. Based on the available evidence, the clinical significance of this variant remains unclear.